The following is an entry in ClinVar:

NM_020461.4(TUBGCP6):c.3157C>G (p.His1053Asp)

Gene: TUBGCP6 (tubulin gamma complex component 6; minus strand). Cytogenetic location: 22q13.33.
Variant type: single nucleotide variant.
Coding change: c.3157C>G on transcript NM_020461.4 (MANE Select); coding-DNA position 3157, C replaced by G.
Protein change: p.His1053Asp; replaces histidine 1053 with aspartic acid.
Molecular consequence: missense variant.
Genome position (GRCh38, 1-based): chr22:50,221,202, G>C on the plus strand (C>G on the coding strand, the complement: TUBGCP6 is on the minus strand). VCF-style: chr22-50221202-G-C. GRCh37 (hg19) VCF-style: chr22-50659631-G-C.
Other names: short protein forms H1053D.
Identifiers: ClinVar variation 1416717 (VCV001416717.6), dbSNP rs538195982, ClinGen allele CA10308038.

ClinVar aggregate classification (germline): Uncertain significance (1 of 4 stars; one submission).

Allele frequency attached by ClinVar (database versions not stated): gnomAD 0.00001; gnomAD exomes 0.00001; TOPMed 0.00001; ExAC 0.00002; 1000 Genomes Project 0.00020; 1000 Genomes Project 30x 0.00031.
gnomAD v4.1: 2 of 1,611,952 alleles (0.00012%); highest among the groups gnomAD compares: African/African-American, 0.0027%; no homozygotes.

Submission:

Labcorp Genetics (formerly Invitae), Labcorp
Classification: Uncertain significance. Last evaluated: 2021-10-11. Review status: criteria provided, single submitter. Criteria: Invitae Variant Classification Sherloc (09022015). Collection method: clinical testing. Allele origin: germline.
Comment: Algorithms developed to predict the effect of missense changes on protein structure and function are either unavailable or do not agree on the potential impact of this missense change (SIFT: "Tolerated"; PolyPhen-2: "Possibly Damaging"; Align-GVGD: "Class C0"). In summary, the available evidence is currently insufficient to determine the role of this variant in disease. Therefore, it has been classified as a Variant of Uncertain Significance. This variant has not been reported in the literature in individuals affected with TUBGCP6-related conditions. This variant is present in population databases (rs538195982, ExAC 0.02%). This sequence change replaces histidine with aspartic acid at codon 1053 of the TUBGCP6 protein (p.His1053Asp). The histidine residue is weakly conserved and there is a moderate physicochemical difference between histidine and aspartic acid.